The following is an entry in ClinVar:

ClinVar aggregate classification (germline): Pathogenic (1 of 4 stars; one submission).

Conditions:
Anauxetic dysplasia. Identifiers: Orphanet 93347, MedGen C1846796, MONDO:0011773.

Submission:

Labcorp Genetics (formerly Invitae), Labcorp
Classification: Pathogenic for Anauxetic dysplasia. Last evaluated: 2023-06-15. Review status: criteria provided, single submitter. Criteria: Invitae Variant Classification Sherloc (09022015). Collection method: clinical testing. Allele origin: germline.
Comment: This variant occurs in the RMRP gene, which encodes an RNA molecule that does not result in a protein product. For these reasons, this variant has been classified as Pathogenic. While functional studies for this variant have not been reported, experimental analyses using patient derived cells, as well as in vitro transfection studies, have shown that promoter insertions result in silencing of RMRP transcription and reduced expression of the gene product (PMID: 11207361, 16254002). While this particular variant has not been reported in the literature, it is located in the promoter region between the TATA box and the transcription initiation site, and other insertions and duplications immediately upstream of the coding sequence have been reported in individuals affected with cartilage-hair hypoplasia-anauxetic dysplasia (CHH-AD) spectrum disorders (PMID: 16244706, 11207361, 12107819). This variant is not present in population databases (gnomAD no frequency).

Literature cited by the submitters: PubMed 11207361; PubMed 16254002; PubMed 16244706; PubMed 12107819.

NC_000009.12:g.35658031_35658036dup

Gene: RMRP (RNA component of mitochondrial RNA processing endoribonuclease; minus strand). Cytogenetic location: 9p13.3.
Variant type: Duplication.
Genome position: GRCh38 VCF-style: chr9-35658030-T-TTCACAG. GRCh37 (hg19) VCF-style: chr9-35658027-T-TTCACAG.
Identifiers: ClinVar variation 1451801 (VCV001451801.6), dbSNP rs2131810166, ClinGen allele CA2573144658.